The following is an entry in ClinVar:

NM_000169.3(GLA):c.566T>G (p.Leu189Trp)

Genes: GLA (galactosidase alpha; minus strand), RPL36A-HNRNPH2 (RPL36A-HNRNPH2 readthrough; plus strand). Cytogenetic location: Xq22.1.
Variant type: single nucleotide variant.
Coding change: c.566T>G on transcript NM_000169.3 (MANE Select); coding-DNA position 566, T replaced by G.
Protein change: p.Leu189Trp; replaces leucine 189 with tryptophan.
Molecular consequence: missense variant. On other transcripts: non-coding transcript variant (2), intron variant (2).
Genome position (GRCh38, 1-based): chrX:101,400,739, A>C on the plus strand (T>G on the coding strand, the complement: GLA is on the minus strand). VCF-style: chrX-101400739-A-C. GRCh37 (hg19) VCF-style: chrX-100655727-A-C.
Other names: c.566T>G, p.Leu189Trp (NM_001406748.1); c.300+5282A>C (NM_001199973.2); c.177+8917A>C (NM_001199974.2); c.689T>G, p.Leu230Trp (NM_001406747.1); short protein forms L189W, L230W.
Identifiers: ClinVar variation 1171867 (VCV001171867.6), dbSNP rs1555985577, ClinGen allele CA413927828.

ClinVar aggregate classification (germline): Uncertain significance. Review status: criteria provided, multiple submitters, no conflicts (2 of 4 stars). 3 submissions from 3 submitters: Uncertain significance (3). Last evaluated 2025-05-19.

Conditions:
Fabry disease. Also called: Fabry's disease; ALPHA-GALACTOSIDASE A DEFICIENCY; ANDERSON-FABRY DISEASE; CERAMIDE TRIHEXOSIDASE DEFICIENCY; GLA DEFICIENCY; HEREDITARY DYSTOPIC LIPIDOSIS. Identifiers: Orphanet 324, MedGen C0002986, MONDO:0010526, OMIM 301500, HP:0001071. Disease mechanism: Fabry disease is due to inactivating mutations in the X-linked GLA gene resulting in deficiency of the enzyme Alpha Galactosidase-A., loss of function.
Cardiovascular phenotype. Identifiers: MedGen CN230736.

Allele frequency attached by ClinVar (database versions not stated): gnomAD exomes below 0.00001 and 0.00001; TOPMed 0.00001; gnomAD 0.00003.
gnomAD v4.1: 4 of 1,160,973 alleles (0.00034%); highest among the groups gnomAD compares: Non-Finnish European, 0.00047%; no homozygotes.

Submissions (3):

Labcorp Genetics (formerly Invitae), Labcorp
Classification: Uncertain significance for Fabry disease. Last evaluated: 2025-05-19. Review status: criteria provided, single submitter. Criteria: Invitae Variant Classification Sherloc (09022015). Collection method: clinical testing. Allele origin: germline.
Comment: This sequence change replaces leucine, which is neutral and non-polar, with tryptophan, which is neutral and slightly polar, at codon 189 of the GLA protein (p.Leu189Trp). This variant is present in population databases (no rsID available, gnomAD 0.002%). This variant has not been reported in the literature in individuals affected with GLA-related conditions. ClinVar contains an entry for this variant (Variation ID: 1171867). Invitae Evidence Modeling of protein sequence and biophysical properties (such as structural, functional, and spatial information, amino acid conservation, physicochemical variation, residue mobility, and thermodynamic stability) indicates that this missense variant is not expected to disrupt GLA protein function with a negative predictive value of 80%. In summary, the available evidence is currently insufficient to determine the role of this variant in disease. Therefore, it has been classified as a Variant of Uncertain Significance.

Color Diagnostics, LLC DBA Color Health
Classification: Uncertain significance for Fabry disease. Last evaluated: 2024-03-07. Review status: criteria provided, single submitter. Criteria: ACMG Guidelines, 2015. Collection method: clinical testing. Allele origin: germline.
Comment: This missense variant replaces leucine with tryptophan at codon 189 of the GLA protein. Computational prediction suggests that this variant may not impact protein structure and function (internally defined REVEL score threshold <= 0.5, PMID: 27666373). To our knowledge, functional studies have not been reported for this variant. This variant has not been reported in individuals affected with cardiovascular disorders in the literature. This variant has been identified in 2/203496 chromosomes in the general population by the Genome Aggregation Database (gnomAD). The available evidence is insufficient to determine the role of this variant in disease conclusively. Therefore, this variant is classified as a Variant of Uncertain Significance.

Ambry Genetics
Classification: Uncertain significance for Cardiovascular phenotype. Last evaluated: 2021-07-02. Review status: criteria provided, single submitter. Criteria: Ambry Variant Classification Scheme 2023. Collection method: clinical testing. Allele origin: germline.
Comment: The p.L189W variant (also known as c.566T>G), located in coding exon 4 of the GLA gene, results from a T to G substitution at nucleotide position 566. The leucine at codon 189 is replaced by tryptophan, an amino acid with similar properties. Based on data from gnomAD, the G allele has an overall frequency of <0.01% (2/203496) total alleles studied, with 1 hemizygote(s) observed. The highest observed frequency was <0.01% (2/91885) of European (non-Finnish) alleles. This amino acid position is not well conserved in available vertebrate species. In addition, the in silico prediction for this alteration is inconclusive. Since supporting evidence is limited at this time, the clinical significance of this alteration remains unclear.